The following is an entry in ClinVar:

ClinVar aggregate classification (germline): Uncertain significance. Review status: criteria provided, multiple submitters, no conflicts (2 of 4 stars). 2 submissions from 2 submitters: Uncertain significance (2). Last evaluated 2024-07-23.

Conditions:
Inborn genetic diseases. Identifiers: MedGen C0950123, MeSH D030342.
Exostoses, multiple, type 2 (EXT2). Also called: EXOSTOSES, MULTIPLE, TYPE II; Hereditary Multiple Osteochondromatosis, Type II. Identifiers: Orphanet 321, MedGen C1851413, MONDO:0007586, OMIM 133701.

Allele frequency attached by ClinVar (database versions not stated): gnomAD exomes below 0.00001; ExAC 0.00003; TOPMed 0.00004; gnomAD 0.00005; ESP Exome Variant Server 0.00023.
gnomAD v4.1: 14 of 1,613,044 alleles (0.00087%); highest among the groups gnomAD compares: African/African-American, 0.019%; no homozygotes.

Submissions (2):

Labcorp Genetics (formerly Invitae), Labcorp
Classification: Uncertain significance for Exostoses, multiple, type 2. Last evaluated: 2024-07-23. Review status: criteria provided, single submitter. Criteria: Invitae Variant Classification Sherloc (09022015). Collection method: clinical testing. Allele origin: germline.
Comment: This sequence change replaces alanine, which is neutral and non-polar, with glutamic acid, which is acidic and polar, at codon 171 of the EXT2 protein (p.Ala171Glu). This variant is present in population databases (rs149621055, gnomAD 0.03%). This variant has not been reported in the literature in individuals affected with EXT2-related conditions. ClinVar contains an entry for this variant (Variation ID: 2521332). Advanced modeling of protein sequence and biophysical properties (such as structural, functional, and spatial information, amino acid conservation, physicochemical variation, residue mobility, and thermodynamic stability) performed at Invitae indicates that this missense variant is not expected to disrupt EXT2 protein function with a negative predictive value of 80%. In summary, the available evidence is currently insufficient to determine the role of this variant in disease. Therefore, it has been classified as a Variant of Uncertain Significance.

Ambry Genetics
Classification: Uncertain significance for Inborn genetic diseases. Last evaluated: 2023-05-23. Review status: criteria provided, single submitter. Criteria: Ambry Variant Classification Scheme 2023. Collection method: clinical testing. Allele origin: germline.

NM_207122.2(EXT2):c.512C>A (p.Ala171Glu)

Gene: EXT2 (exostosin glycosyltransferase 2; plus strand). Cytogenetic location: 11p11.2.
Variant type: single nucleotide variant.
Coding change: c.512C>A on transcript NM_207122.2 (MANE Select); coding-DNA position 512, C replaced by A.
Protein change: p.Ala171Glu; replaces alanine 171 with glutamic acid.
Molecular consequence: missense variant.
Genome position (GRCh38, 1-based): chr11:44,108,224, C>A. VCF-style: chr11-44108224-C-A. GRCh37 (hg19) VCF-style: chr11-44129774-C-A.
Other names: c.611C>A, p.Ala204Glu (NM_000401.3); c.512C>A, p.Ala171Glu (NM_001178083.3, NM_001389628.1, NM_001389630.1); short protein forms A204E, A171E.
Identifiers: ClinVar variation 2521332 (VCV002521332.4), dbSNP rs149621055, ClinGen allele CA5954903.